The following is an entry in ClinVar:

NM_001211.6(BUB1B):c.2675A>T (p.Asn892Ile)

Gene: BUB1B (BUB1 mitotic checkpoint serine/threonine kinase B; plus strand). Cytogenetic location: 15q15.1.
Variant type: single nucleotide variant.
Coding change: c.2675A>T on transcript NM_001211.6 (MANE Select); coding-DNA position 2675, A replaced by T.
Protein change: p.Asn892Ile; replaces asparagine 892 with isoleucine.
Molecular consequence: missense variant.
Genome position (GRCh38, 1-based): chr15:40,213,471, A>T. VCF-style: chr15-40213471-A-T. GRCh37 (hg19) VCF-style: chr15-40505672-A-T.
Other names: short protein forms N892I.
Identifiers: ClinVar variation 1794600 (VCV001794600.2), dbSNP rs2542577222, ClinGen allele CA391686631.

ClinVar aggregate classification (germline): Uncertain significance (1 of 4 stars; one submission).

Conditions:
Inborn genetic diseases. Identifiers: MedGen C0950123, MeSH D030342.

Submission:

Ambry Genetics
Classification: Uncertain significance for Inborn genetic diseases. Last evaluated: 2022-09-11. Review status: criteria provided, single submitter. Criteria: Ambry Variant Classification Scheme 2023. Collection method: clinical testing. Allele origin: germline.
Comment: The p.N892I variant (also known as c.2675A>T), located in coding exon 20 of the BUB1B gene, results from an A to T substitution at nucleotide position 2675. The asparagine at codon 892 is replaced by isoleucine, an amino acid with dissimilar properties. This amino acid position is conserved. In addition, the in silico prediction for this alteration is inconclusive. Since supporting evidence is limited at this time, the clinical significance of this alteration remains unclear.